The following is an entry in ClinVar:

ClinVar aggregate classification (germline): Uncertain significance (1 of 4 stars; one submission).

Allele frequency attached by ClinVar (database versions not stated): gnomAD exomes below 0.00001 and 0.00003; gnomAD 0.00001; TOPMed 0.00002.
gnomAD v4.1: 41 of 1,613,640 alleles (0.0025%); highest among the groups gnomAD compares: Non-Finnish European, 0.0035%; no homozygotes.

Submission:

Labcorp Genetics (formerly Invitae), Labcorp
Classification: Uncertain significance. Last evaluated: 2024-10-22. Review status: criteria provided, single submitter. Criteria: Invitae Variant Classification Sherloc (09022015). Collection method: clinical testing. Allele origin: germline.
Comment: This sequence change replaces methionine, which is neutral and non-polar, with valine, which is neutral and non-polar, at codon 331 of the NBAS protein (p.Met331Val). This variant is present in population databases (no rsID available, gnomAD 0.0009%). This variant has not been reported in the literature in individuals affected with NBAS-related conditions. ClinVar contains an entry for this variant (Variation ID: 1371375). Invitae Evidence Modeling of protein sequence and biophysical properties (such as structural, functional, and spatial information, amino acid conservation, physicochemical variation, residue mobility, and thermodynamic stability) indicates that this missense variant is not expected to disrupt NBAS protein function with a negative predictive value of 95%. In summary, the available evidence is currently insufficient to determine the role of this variant in disease. Therefore, it has been classified as a Variant of Uncertain Significance.

NM_015909.4(NBAS):c.991A>G (p.Met331Val)

Gene: NBAS (NBAS subunit of NRZ tethering complex; minus strand). Cytogenetic location: 2p24.3.
Variant type: single nucleotide variant.
Coding change: c.991A>G on transcript NM_015909.4 (MANE Select); coding-DNA position 991, A replaced by G.
Protein change: p.Met331Val; replaces methionine 331 with valine.
Molecular consequence: missense variant. On other transcripts: non-coding transcript variant (1).
Genome position (GRCh38, 1-based): chr2:15,488,986, T>C on the plus strand (A>G on the coding strand, the complement: NBAS is on the minus strand). VCF-style: chr2-15488986-T-C. GRCh37 (hg19) VCF-style: chr2-15629110-T-C.
Other names: short protein forms M331V.
Identifiers: ClinVar variation 1371375 (VCV001371375.5), dbSNP rs928608322, ClinGen allele CA42635329.